The following is an entry in ClinVar:

ClinVar aggregate classification (germline): Benign/Likely benign. Review status: criteria provided, multiple submitters, no conflicts (2 of 4 stars). 11 submissions from 11 submitters: Benign (5); Likely benign (4). 2 of the submissions do not count toward it. Last evaluated 2026-09-01.

Conditions:
Familial thoracic aortic aneurysm and aortic dissection (TAAD). Also called: Thoracic aortic aneurysms and dissections. Identifiers: Orphanet 91387, MedGen C4707243, MONDO:0019625.
Ehlers-Danlos syndrome, type 4 (EDSVASC). Also called: Ehlers-Danlos syndrome vascular type; Ehlers Danlos syndrome, ecchymotic type; Ehlers Danlos syndrome, arterial type; Ehlers Danlos syndrome, Sack-Barabas type; Ehlers-Danlos Syndrome Type IV. Identifiers: Orphanet 286, MedGen C0268338, MONDO:0017314, OMIM 130050.

Allele frequency attached by ClinVar (database versions not stated): gnomAD 0.00029 and 0.00030; 1000 Genomes Project 0.00040; 1000 Genomes Project 30x 0.00047; TOPMed 0.00048.
gnomAD v4.1: 468 of 1,614,118 alleles (0.029%); highest among the groups gnomAD compares: Middle Eastern, 0.33%; no homozygotes.

Submissions (11):

CeGaT Center for Human Genetics Tuebingen
Classification: Likely benign. Last evaluated: 2026-09-01. Review status: criteria provided, single submitter. Criteria: CeGaT Center For Human Genetics Tuebingen Variant Classification Criteria Version 2. Collection method: clinical testing. Allele origin: germline. Affected: yes. Observed: 22 variant alleles.
Comment: COL3A1: BP4, BP7

Labcorp Genetics (formerly Invitae), Labcorp
Classification: Benign for Ehlers-Danlos syndrome, type 4. Last evaluated: 2026-01-21. Review status: criteria provided, single submitter. Criteria: Invitae Variant Classification Sherloc (09022015). Collection method: clinical testing. Allele origin: germline.

Blueprint Genetics
Classification: Likely benign. Last evaluated: 2024-10-16. Review status: criteria provided, single submitter. Criteria: ACMG Guidelines, 2015. Collection method: clinical testing. Allele origin: germline.

All of Us Research Program, National Institutes of Health
Classification: Benign for Ehlers-Danlos syndrome, type 4. Last evaluated: 2024-02-05. Review status: criteria provided, single submitter. Criteria: ACMG Guidelines, 2015. Collection method: clinical testing. Allele origin: germline. Inheritance: Autosomal dominant inheritance. Observed: 91 variant alleles, 90 heterozygotes, 1 homozygote.
Comment: This study involves interpretation of variants in research participants for the purpose of population health screening. Participant phenotype was not available at the time of variant classification. Additional details can be found in publication PMID: 35346344, PMCID: PMC8962531

CHEO Genetics Diagnostic Laboratory, Children's Hospital of Eastern Ontario
Classification: Benign for Familial thoracic aortic aneurysm and aortic dissection. Last evaluated: 2023-04-21. Review status: criteria provided, single submitter. Criteria: ACMG Guidelines, 2015. Collection method: clinical testing. Allele origin: germline.

Color Diagnostics, LLC DBA Color Health
Classification: Benign for Familial thoracic aortic aneurysm and aortic dissection. Last evaluated: 2018-07-29. Review status: criteria provided, single submitter. Criteria: ACMG Guidelines, 2015. Collection method: clinical testing. Allele origin: germline.

Ambry Genetics
Classification: Likely benign for Familial thoracic aortic aneurysm and aortic dissection. Last evaluated: 2017-10-23. Review status: criteria provided, single submitter. Criteria: Ambry Variant Classification Scheme 2023. Collection method: clinical testing. Allele origin: germline.

GeneDx
Classification: Benign. Last evaluated: 2014-05-03. Review status: criteria provided, single submitter. Criteria: GeneDx Variant Classification (06012015). Collection method: clinical testing. Allele origin: germline. Affected: yes.
Comment: This variant is considered likely benign or benign based on one or more of the following criteria: it is a conservative change, it occurs at a poorly conserved position in the protein, it is predicted to be benign by multiple in silico algorithms, and/or has population frequency not consistent with disease.

PreventionGenetics, part of Exact Sciences
Classification: Likely benign. Review status: criteria provided, single submitter. Criteria: ACMG Guidelines, 2015. Collection method: clinical testing. Allele origin: germline.

Clinical Genetics DNA and cytogenetics Diagnostics Lab, Erasmus MC, Erasmus Medical Center
Classification: Likely benign. Review status: no assertion criteria provided. Collection method: clinical testing. Allele origin: germline. Affected: yes. Study: VKGL Data-share Consensus. Not counted in ClinVar's aggregate classification.

Genome Diagnostics Laboratory, Amsterdam University Medical Center
Classification: Likely benign. Review status: no assertion criteria provided. Collection method: clinical testing. Allele origin: germline. Affected: yes. Study: VKGL Data-share Consensus. Not counted in ClinVar's aggregate classification.

NM_000090.4(COL3A1):c.3642C>A (p.Gly1214=)

Gene: COL3A1 (collagen type III alpha 1 chain; plus strand). Cytogenetic location: 2q32.2.
Variant type: single nucleotide variant.
Coding change: c.3642C>A on transcript NM_000090.4 (MANE Select); coding-DNA position 3642, C replaced by A.
Protein change: p.Gly1214=; no amino-acid change (glycine 1214 retained).
Molecular consequence: synonymous variant.
Genome position (GRCh38, 1-based): chr2:189,009,040, C>A. VCF-style: chr2-189009040-C-A. GRCh37 (hg19) VCF-style: chr2-189873766-C-A.
Other names: p.G1214G:GGC>GGA.
Identifiers: ClinVar variation 136857 (VCV000136857.65), dbSNP rs184402915, ClinGen allele CA006702.